The following is an entry in ClinVar:

ClinVar aggregate classification (germline): Uncertain significance. Review status: criteria provided, multiple submitters, no conflicts (2 of 4 stars). 2 submissions from 2 submitters: Uncertain significance (2). Last evaluated 2025-11-13.

Conditions:
Myofibrillar myopathy 5. Also called: FILAMINOPATHY, AUTOSOMAL DOMINANT; Filaminopathy (type). Identifiers: Orphanet 171445, MedGen C1836050, MONDO:0012289, OMIM 609524.
Distal myopathy with posterior leg and anterior hand involvement. Also called: WILLIAMS DISTAL MYOPATHY. Identifiers: Orphanet 63273, MedGen C3279722, MONDO:0013550, OMIM 614065.
Hypertrophic cardiomyopathy 26. Also called: Cardiomyopathy, familial hypertrophic, 26. Identifiers: Orphanet 75249, MedGen C4310749, MONDO:0014883, OMIM 617047.

Allele frequency attached by ClinVar (database versions not stated): TOPMed 0.00002; ExAC 0.00004; ESP Exome Variant Server 0.00008.
gnomAD v4.1: 5 of 1,614,080 alleles (0.00031%); highest among the groups gnomAD compares: Non-Finnish European, 0.00042%; no homozygotes.

Submissions (2):

Labcorp Genetics (formerly Invitae), Labcorp
Classification: Uncertain significance for Distal myopathy with posterior leg and anterior hand involvement; Myofibrillar myopathy 5; Hypertrophic cardiomyopathy 26. Last evaluated: 2025-11-13. Review status: criteria provided, single submitter. Criteria: Invitae Variant Classification Sherloc (09022015). Collection method: clinical testing. Allele origin: germline.
Comment: This sequence change replaces glycine, which is neutral and non-polar, with cysteine, which is neutral and slightly polar, at codon 2534 of the FLNC protein (p.Gly2534Cys). This variant is not present in population databases (gnomAD no frequency). This variant has not been reported in the literature in individuals affected with FLNC-related conditions. ClinVar contains an entry for this variant (Variation ID: 1366748). An algorithm developed to predict the effect of missense changes on protein structure and function (PolyPhen-2) suggests that this variant is likely to be disruptive. In summary, the available evidence is currently insufficient to determine the role of this variant in disease. Therefore, it has been classified as a Variant of Uncertain Significance.

Revvity Omics, Revvity
Classification: Uncertain significance. Last evaluated: 2022-03-22. Review status: criteria provided, single submitter. Criteria: ACMG Guidelines, 2015. Collection method: clinical testing. Allele origin: germline.

NM_001458.5(FLNC):c.7600G>T (p.Gly2534Cys)

Genes: FLNC-AS1 (FLNC antisense RNA 1; minus strand), FLNC (filamin C; plus strand). Cytogenetic location: 7q32.1.
Variant type: single nucleotide variant.
Coding change: c.7600G>T on transcript NM_001458.5 (MANE Select); coding-DNA position 7600, G replaced by T.
Protein change: p.Gly2534Cys; replaces glycine 2534 with cysteine.
Molecular consequence: missense variant.
Genome position (GRCh38, 1-based): chr7:128,857,156, G>T. VCF-style: chr7-128857156-G-T. GRCh37 (hg19) VCF-style: chr7-128497210-G-T.
Other names: c.7501G>T, p.Gly2501Cys (NM_001127487.2); c.7600G>T (NM_001458.4); short protein forms G2501C, G2534C.
Identifiers: ClinVar variation 1366748 (VCV001366748.8), dbSNP rs372504725, ClinGen allele CA4476320.
Genomic context (GRCh38, chr7:128,857,156, plus strand): 5'-CCTTGCTACCTCTGGCCCCCAGGTGTGTCATCAGAGTTCATCGTGAACACCCTGAATGCC[G>T]GCTCGGGGGCCTTGTCTGTCACCATTGATGGCCCCTCCAAGGTGCAGCTGGACTGTCGGG-3'
Protein context (NP_001449.3, residues 2524-2544): SEFIVNTLNA[Gly2534Cys]SGALSVTIDG